The following is an entry in ClinVar:

ClinVar aggregate classification (germline): Uncertain significance (1 of 4 stars; one submission).

Submission:

Ambry Genetics
Classification: Uncertain significance. Last evaluated: 2023-08-26. Review status: criteria provided, single submitter. Criteria: Ambry Variant Classification Scheme 2023. Collection method: clinical testing. Allele origin: germline.
Comment: The p.L840F variant (also known as c.2518C>T), located in coding exon 22 of the PRKDC gene, results from a C to T substitution at nucleotide position 2518. The leucine at codon 840 is replaced by phenylalanine, an amino acid with highly similar properties. This amino acid position is conserved. In addition, this alteration is predicted to be tolerated by in silico analysis. Since supporting evidence is limited at this time, the clinical significance of this alteration remains unclear.

NM_006904.7(PRKDC):c.2518C>T (p.Leu840Phe)

Gene: PRKDC (protein kinase, DNA-activated, catalytic subunit; minus strand). Cytogenetic location: 8q11.21.
Variant type: single nucleotide variant.
Coding change: c.2518C>T on transcript NM_006904.7 (MANE Select); coding-DNA position 2518, C replaced by T.
Protein change: p.Leu840Phe; replaces leucine 840 with phenylalanine.
Molecular consequence: missense variant.
Genome position (GRCh38, 1-based): chr8:47,918,285, G>A on the plus strand (C>T on the coding strand, the complement: PRKDC is on the minus strand). VCF-style: chr8-47918285-G-A. GRCh37 (hg19) VCF-style: chr8-48830845-G-A.
Other names: c.2518C>T, p.Leu840Phe (NM_001081640.2); short protein forms L840F.
Identifiers: ClinVar variation 2624580 (VCV002624580.2), dbSNP rs776872112, ClinGen allele CA371160302.